The following is an entry in ClinVar:

ClinVar aggregate classification (germline): Uncertain significance. Review status: criteria provided, multiple submitters, no conflicts (2 of 4 stars). 2 submissions from 2 submitters: Uncertain significance (2). Last evaluated 2025-11-11.

Conditions:
Inborn genetic diseases. Identifiers: MedGen C0950123, MeSH D030342.

Allele frequency attached by ClinVar (database versions not stated): ExAC 0.00001; gnomAD 0.00001; gnomAD exomes 0.00001; TOPMed 0.00002.
gnomAD v4.1: 21 of 1,612,558 alleles (0.0013%); highest among the groups gnomAD compares: Admixed American, 0.0067%; no homozygotes.

Submissions (2):

Ambry Genetics
Classification: Uncertain significance for Inborn genetic diseases. Last evaluated: 2025-11-11. Review status: criteria provided, single submitter. Criteria: Ambry Variant Classification Scheme 2023. Collection method: clinical testing. Allele origin: germline.

Labcorp Genetics (formerly Invitae), Labcorp
Classification: Uncertain significance. Last evaluated: 2025-06-23. Review status: criteria provided, single submitter. Criteria: Invitae Variant Classification Sherloc (09022015). Collection method: clinical testing. Allele origin: germline.
Comment: This sequence change replaces histidine, which is basic and polar, with tyrosine, which is neutral and polar, at codon 350 of the LRRK1 protein (p.His350Tyr). This variant is present in population databases (rs762797401, gnomAD 0.006%). This variant has not been reported in the literature in individuals affected with LRRK1-related conditions. ClinVar contains an entry for this variant (Variation ID: 2176467). An algorithm developed to predict the effect of missense changes on protein structure and function (PolyPhen-2) suggests that this variant is likely to be tolerated. In summary, the available evidence is currently insufficient to determine the role of this variant in disease. Therefore, it has been classified as a Variant of Uncertain Significance.

NM_024652.6(LRRK1):c.1048C>T (p.His350Tyr)

Gene: LRRK1 (leucine rich repeat kinase 1; plus strand). Cytogenetic location: 15q26.3.
Variant type: single nucleotide variant.
Coding change: c.1048C>T on transcript NM_024652.6 (MANE Select); coding-DNA position 1048, C replaced by T.
Protein change: p.His350Tyr; replaces histidine 350 with tyrosine.
Molecular consequence: missense variant.
Genome position (GRCh38, 1-based): chr15:101,010,508, C>T. VCF-style: chr15-101010508-C-T. GRCh37 (hg19) VCF-style: chr15-101550713-C-T.
Other names: c.1048C>T (NM_024652.3); short protein forms H350Y.
Identifiers: ClinVar variation 2176467 (VCV002176467.5), dbSNP rs762797401, ClinGen allele CA7760778.